The following is an entry in ClinVar:

NC_000019.10:g.39480554G>C

Gene: TIMM50 (translocase of inner mitochondrial membrane 50; plus strand). Cytogenetic location: 19q13.2.
Variant type: single nucleotide variant.
Genome position: GRCh38 VCF-style: chr19-39480554-G-C. GRCh37 (hg19) VCF-style: chr19-39971194-G-C.
Identifiers: ClinVar variation 1423153 (VCV001423153.5), dbSNP rs1248741637, ClinGen allele CA405784223.

ClinVar aggregate classification (germline): Uncertain significance (1 of 4 stars; one submission).

Allele frequency attached by ClinVar (database versions not stated): gnomAD exomes below 0.00001; gnomAD 0.00003; TOPMed 0.00003.

Submission:

Labcorp Genetics (formerly Invitae), Labcorp
Classification: Uncertain significance. Last evaluated: 2023-05-22. Review status: criteria provided, single submitter. Criteria: Invitae Variant Classification Sherloc (09022015). Collection method: clinical testing. Allele origin: germline.
Comment: In summary, the available evidence is currently insufficient to determine the role of this variant in disease. Therefore, it has been classified as a Variant of Uncertain Significance. An algorithm developed to predict the effect of missense changes on protein structure and function (PolyPhen-2) suggests that this variant is likely to be disruptive. ClinVar contains an entry for this variant (Variation ID: 1423153). This variant has not been reported in the literature in individuals affected with TIMM50-related conditions. This variant is present in population databases (no rsID available, gnomAD 0.01%). This sequence change replaces alanine with proline at codon 4 of the TIMM50 protein (p.Ala4Pro). The alanine residue is weakly conserved and there is a small physicochemical difference between alanine and proline.